The following is an entry in ClinVar:

ClinVar aggregate classification (germline): Uncertain significance (1 of 4 stars; one submission).

Allele frequency attached by ClinVar (database versions not stated): ExAC 0.00001; TOPMed 0.00002; gnomAD exomes below 0.00001; gnomAD 0.00001.
gnomAD v4.1: 4 of 1,614,096 alleles (0.00025%); highest among the groups gnomAD compares: South Asian, 0.0011%; no homozygotes.

Submission:

Greenwood Genetic Center Diagnostic Laboratories, Greenwood Genetic Center
Classification: Uncertain significance. Last evaluated: 2021-09-27. Review status: criteria provided, single submitter. Criteria: ACMG Guidelines, 2015. Collection method: clinical testing. Allele origin: germline. Affected: yes.
Comment: BP4

NM_001378418.1(TCF20):c.2521A>G (p.Ile841Val)

Gene: TCF20 (transcription factor 20; minus strand). Cytogenetic location: 22q13.2.
Variant type: single nucleotide variant.
Coding change: c.2521A>G on transcript NM_001378418.1 (MANE Select); coding-DNA position 2521, A replaced by G.
Protein change: p.Ile841Val; replaces isoleucine 841 with valine.
Molecular consequence: missense variant.
Genome position (GRCh38, 1-based): chr22:42,212,785, T>C on the plus strand (A>G on the coding strand, the complement: TCF20 is on the minus strand). VCF-style: chr22-42212785-T-C. GRCh37 (hg19) VCF-style: chr22-42608791-T-C.
Other names: c.2521A>G, p.Ile841Val (NM_005650.4, NM_181492.3); short protein forms I841V.
Identifiers: ClinVar variation 1334591 (VCV001334591.4), dbSNP rs758213121, ClinGen allele CA10267005.
Genomic context (GRCh38, chr22:42,212,785, plus strand): 5'-AGAGGGAACCCCCAGGCTCATGTGCTGATGACTGAGGCTCTATTTCAAACTTTCTGGGAA[T>C]TGGATAGTCAGTCAAATTGATCTGTTTCATTTCAGGAGCTGTGCTGCTTGATTTCCTTTC-3'
Protein context (NP_001365347.1, residues 831-851): MKQINLTDYP[Ile841Val]PRKFEIEPQS